The following is an entry in ClinVar:

ClinVar aggregate classification (germline): Uncertain significance (1 of 4 stars; one submission).

Submission:

GeneDx
Classification: Uncertain significance. Last evaluated: 2025-03-12. Review status: criteria provided, single submitter. Criteria: GeneDx Variant Classification Process June 2021. Collection method: clinical testing. Allele origin: germline. Affected: yes.
Comment: Not observed at significant frequency in large population cohorts (gnomAD); In silico analysis supports a deleterious effect on splicing; Has not been previously published as pathogenic or benign to our knowledge

NM_001009944.3(PKD1):c.10500-3C>G

Genes: PKD1 (polycystin 1, transient receptor potential channel interacting; minus strand), PKD1-AS1 (PKD1 antisense RNA 1; plus strand). Cytogenetic location: 16p13.3.
Variant type: single nucleotide variant.
Coding change: c.10500-3C>G on transcript NM_001009944.3 (MANE Select); 3 bases into the intron before coding-DNA position 10500, C replaced by G.
Molecular consequence: intron variant.
Genome position (GRCh38, 1-based): chr16:2,094,213, G>C on the plus strand (C>G on the coding strand, the complement: PKD1 is on the minus strand). VCF-style: chr16-2094213-G-C. GRCh37 (hg19) VCF-style: chr16-2144214-G-C.
Other names: c.10497-3C>G (NM_000296.4).
Identifiers: ClinVar variation 4083195 (VCV004083195.1).